The following is an entry in ClinVar:

NM_024675.4(PALB2):c.1117G>T (p.Glu373Ter)

Gene: PALB2 (partner and localizer of BRCA2; minus strand). Cytogenetic location: 16p12.2.
Variant type: single nucleotide variant.
Coding change: c.1117G>T on transcript NM_024675.4 (MANE Select); coding-DNA position 1117, G replaced by T.
Protein change: p.Glu373Ter; replaces glutamic acid 373 with a stop codon.
Molecular consequence: nonsense.
Genome position (GRCh38, 1-based): chr16:23,635,429, C>A on the plus strand (G>T on the coding strand, the complement: PALB2 is on the minus strand). VCF-style: chr16-23635429-C-A. GRCh37 (hg19) VCF-style: chr16-23646750-C-A.
Other names: short protein forms E373*.
Identifiers: ClinVar variation 822210 (VCV000822210.13), dbSNP rs1597097072, ClinGen allele CA395133728.

ClinVar aggregate classification (germline): Pathogenic. Review status: criteria provided, multiple submitters, no conflicts (2 of 4 stars). 3 submissions from 3 submitters: Pathogenic (3). Last evaluated 2024-11-06.

Conditions:
Hereditary cancer-predisposing syndrome. Also called: Tumor predisposition; Hereditary Cancer Syndrome; Neoplastic Syndromes, Hereditary; Hereditary neoplastic syndrome. Identifiers: Orphanet 140162, MedGen C0027672, MeSH D009386, MONDO:0015356.
Familial cancer of breast. Also called: BREAST CANCER, FAMILIAL; Hereditary breast cancer; hereditary breast carcinoma. Identifiers: Orphanet 227535, MedGen C0346153, MONDO:0016419, OMIM 114480. Disease mechanism: loss of function.

Submissions (3):

Labcorp Genetics (formerly Invitae), Labcorp
Classification: Pathogenic for Familial cancer of breast. Last evaluated: 2024-11-06. Review status: criteria provided, single submitter. Criteria: Invitae Variant Classification Sherloc (09022015). Collection method: clinical testing. Allele origin: germline.
Comment: This sequence change creates a premature translational stop signal (p.Glu373*) in the PALB2 gene. It is expected to result in an absent or disrupted protein product. Loss-of-function variants in PALB2 are known to be pathogenic (PMID: 17200668, 17200671, 17200672, 24136930, 25099575). This variant is not present in population databases (gnomAD no frequency). This variant has not been reported in the literature in individuals affected with PALB2-related conditions. ClinVar contains an entry for this variant (Variation ID: 822210). For these reasons, this variant has been classified as Pathogenic.

Myriad Genetics, Inc.
Classification: Pathogenic for Familial cancer of breast. Last evaluated: 2023-09-27. Review status: criteria provided, single submitter. Criteria: Myriad Autosomal Dominant, Autosomal Recessive and X-Linked Classification Criteria (2023). Collection method: clinical testing. Allele origin: unknown.
Comment: This variant is considered pathogenic. This variant creates a termination codon and is predicted to result in premature protein truncation.

Ambry Genetics
Classification: Pathogenic for Hereditary cancer-predisposing syndrome. Last evaluated: 2022-09-22. Review status: criteria provided, single submitter. Criteria: Ambry Variant Classification Scheme 2023. Collection method: clinical testing. Allele origin: germline.
Comment: The p.E373* pathogenic mutation (also known as c.1117G>T), located in coding exon 4 of the PALB2 gene, results from a G to T substitution at nucleotide position 1117. This changes the amino acid from a glutamic acid to a stop codon within coding exon 4. This variant is considered to be rare based on population cohorts in the Genome Aggregation Database (gnomAD). This alteration is expected to result in loss of function by premature protein truncation or nonsense-mediated mRNA decay. As such, this alteration is interpreted as a disease-causing mutation.

Literature cited by the submitters: PubMed 17200668 (cited by Labcorp Genetics (formerly Invitae), Labcorp); PubMed 17200671 (cited by Labcorp Genetics (formerly Invitae), Labcorp); PubMed 17200672 (cited by Labcorp Genetics (formerly Invitae), Labcorp); PubMed 24136930 (cited by Labcorp Genetics (formerly Invitae), Labcorp); PubMed 25099575 (cited by Labcorp Genetics (formerly Invitae), Labcorp).